The following is an entry in ClinVar:

ClinVar aggregate classification (germline): Uncertain significance (1 of 4 stars; one submission).

Conditions:
PCNT-related disorder. Also called: PCNT-related condition.

gnomAD v4.1: 3 of 1,614,122 alleles (0.00019%); highest among the groups gnomAD compares: Middle Eastern, 0.016%; no homozygotes.

Submission:

PreventionGenetics, part of Exact Sciences
Classification: Uncertain significance for PCNT-related condition. Last evaluated: 2025-03-19. Review status: criteria provided, single submitter. Criteria: ACMG Guidelines, 2015. Collection method: clinical testing. Allele origin: germline.
Comment: The PCNT c.5095G>A variant is predicted to result in the amino acid substitution p.Glu1699Lys. To our knowledge, this variant has not been reported in the literature. This variant is reported in 0.0033% of alleles in individuals of South Asian descent in gnomAD. At this time, the clinical significance of this variant is uncertain due to the absence of conclusive functional and genetic evidence.

NM_006031.6(PCNT):c.5095G>A (p.Glu1699Lys)

Gene: PCNT (pericentrin; plus strand). Cytogenetic location: 21q22.3.
Variant type: single nucleotide variant.
Coding change: c.5095G>A on transcript NM_006031.6 (MANE Select); coding-DNA position 5095, G replaced by A.
Protein change: p.Glu1699Lys; replaces glutamic acid 1699 with lysine.
Molecular consequence: missense variant.
Genome position (GRCh38, 1-based): chr21:46,402,463, G>A. VCF-style: chr21-46402463-G-A. GRCh37 (hg19) VCF-style: chr21-47822377-G-A.
Other names: c.4741G>A, p.Glu1581Lys (NM_001315529.2); short protein forms E1699K, E1581K.
Identifiers: ClinVar variation 4982181 (VCV004982181.1).